The following is an entry in ClinVar:

ClinVar aggregate classification (germline): Uncertain significance (1 of 4 stars; one submission).

Allele frequency attached by ClinVar (database versions not stated): TOPMed 0.00001.
gnomAD v4.1: 3 of 1,614,066 alleles (0.00019%); highest among the groups gnomAD compares: African/African-American, 0.004%; no homozygotes.

Submission:

Ambry Genetics
Classification: Uncertain significance. Last evaluated: 2025-08-14. Review status: criteria provided, single submitter. Criteria: Ambry Variant Classification Scheme 2023. Collection method: clinical testing. Allele origin: germline.
Comment: The p.P1514A variant (also known as c.4540C>G), located in coding exon 40 of the KIF1B gene, results from a C to G substitution at nucleotide position 4540. The proline at codon 1514 is replaced by alanine, an amino acid with highly similar properties. This amino acid position is conserved. In addition, the in silico prediction for this alteration is inconclusive. Since supporting evidence is limited at this time, the clinical significance of this alteration remains unclear.

NM_001365951.3(KIF1B):c.4678C>G (p.Pro1560Ala)

Gene: KIF1B (kinesin family member 1B; plus strand). Cytogenetic location: 1p36.22.
Variant type: single nucleotide variant.
Coding change: c.4678C>G on transcript NM_001365951.3 (MANE Select); coding-DNA position 4678, C replaced by G.
Protein change: p.Pro1560Ala; replaces proline 1560 with alanine.
Molecular consequence: missense variant.
Genome position (GRCh38, 1-based): chr1:10,365,574, C>G. VCF-style: chr1-10365574-C-G. GRCh37 (hg19) VCF-style: chr1-10425632-C-G.
Other names: c.4678C>G, p.Pro1560Ala (NM_001365952.1); c.4540C>G, p.Pro1514Ala (NM_015074.3); short protein forms P1560A, P1514A.
Identifiers: ClinVar variation 2447855 (VCV002447855.3), dbSNP rs202243662, ClinGen allele CA582147.